The following is an entry in ClinVar:

NM_001042472.3(ABHD12):c.775C>T (p.Leu259Phe)

Gene: ABHD12 (abhydrolase domain containing 12, lysophospholipase; minus strand). Cytogenetic location: 20p11.21.
Variant type: single nucleotide variant.
Coding change: c.775C>T on transcript NM_001042472.3 (MANE Select); coding-DNA position 775, C replaced by T.
Protein change: p.Leu259Phe; replaces leucine 259 with phenylalanine.
Molecular consequence: missense variant.
Genome position (GRCh38, 1-based): chr20:25,308,469, G>A on the plus strand (C>T on the coding strand, the complement: ABHD12 is on the minus strand). VCF-style: chr20-25308469-G-A. GRCh37 (hg19) VCF-style: chr20-25289105-G-A.
Other names: c.775C>T, p.Leu259Phe (NM_015600.5); short protein forms L259F.
Identifiers: ClinVar variation 2695644 (VCV002695644.3), dbSNP rs2515770057, ClinGen allele CA408456000.
Genomic context (GRCh38, chr20:25,308,469, plus strand): 5'-GCACCCTGAATGCTCACTGCCACGGCTGGGGCCCAACAAGGCACTCACCTCGCTCACAGA[G>A]GCGCCGCACCAGATTTGTCGCCACGCTAGGAAAAAAGAAAAACAGCTTAGTTGAGTTATG-3'
Protein context (NP_001035937.1, residues 249-269): TGVATNLVRR[Leu259Phe]CERETPPDAL

ClinVar aggregate classification (germline): Uncertain significance (1 of 4 stars; one submission).

Allele frequency attached by ClinVar (database versions not stated): gnomAD exomes below 0.00001.
gnomAD v4.1: 1 of 1,611,948 alleles (0.000062%); highest among the groups gnomAD compares: Non-Finnish European, 0.000085%; no homozygotes.

Submission:

Labcorp Genetics (formerly Invitae), Labcorp
Classification: Uncertain significance. Last evaluated: 2023-11-13. Review status: criteria provided, single submitter. Criteria: Invitae Variant Classification Sherloc (09022015). Collection method: clinical testing. Allele origin: germline.
Comment: This sequence change replaces leucine, which is neutral and non-polar, with phenylalanine, which is neutral and non-polar, at codon 259 of the ABHD12 protein (p.Leu259Phe). This variant is not present in population databases (gnomAD no frequency). This variant has not been reported in the literature in individuals affected with ABHD12-related conditions. An algorithm developed to predict the effect of missense changes on protein structure and function (PolyPhen-2) suggests that this variant is likely to be tolerated. In summary, the available evidence is currently insufficient to determine the role of this variant in disease. Therefore, it has been classified as a Variant of Uncertain Significance.